The following is an entry in ClinVar:

ClinVar aggregate classification (germline): Uncertain significance. Review status: criteria provided, multiple submitters, no conflicts (2 of 4 stars). 2 submissions from 2 submitters: Uncertain significance (2). Last evaluated 2025-04-20.

Allele frequency attached by ClinVar (database versions not stated): TOPMed 0.00002; gnomAD 0.00003; gnomAD exomes 0.00005.
gnomAD v4.1: 87 of 1,613,804 alleles (0.0054%); highest among the groups gnomAD compares: Non-Finnish European, 0.0069%; no homozygotes.

Submissions (2):

Labcorp Genetics (formerly Invitae), Labcorp
Classification: Uncertain significance. Last evaluated: 2025-04-20. Review status: criteria provided, single submitter. Criteria: Invitae Variant Classification Sherloc (09022015). Collection method: clinical testing. Allele origin: germline.
Comment: This sequence change replaces serine, which is neutral and polar, with glycine, which is neutral and non-polar, at codon 614 of the MICAL1 protein (p.Ser614Gly). This variant is present in population databases (no rsID available, gnomAD 0.002%). This variant has not been reported in the literature in individuals affected with MICAL1-related conditions. ClinVar contains an entry for this variant (Variation ID: 2076834). An algorithm developed to predict the effect of missense changes on protein structure and function (PolyPhen-2) suggests that this variant is likely to be tolerated. In summary, the available evidence is currently insufficient to determine the role of this variant in disease. Therefore, it has been classified as a Variant of Uncertain Significance.

Ambry Genetics
Classification: Uncertain significance. Last evaluated: 2022-11-18. Review status: criteria provided, single submitter. Criteria: Ambry Variant Classification Scheme 2023. Collection method: clinical testing. Allele origin: germline.

NM_022765.4(MICAL1):c.1783A>G (p.Ser595Gly)

Gene: MICAL1 (microtubule associated monooxygenase, calponin and LIM domain containing 1; minus strand). Cytogenetic location: 6q21.
Variant type: single nucleotide variant.
Coding change: c.1783A>G on transcript NM_022765.4 (MANE Select); coding-DNA position 1783, A replaced by G.
Protein change: p.Ser595Gly; replaces serine 595 with glycine.
Molecular consequence: missense variant.
Genome position (GRCh38, 1-based): chr6:109,448,275, T>C on the plus strand (A>G on the coding strand, the complement: MICAL1 is on the minus strand). VCF-style: chr6-109448275-T-C. GRCh37 (hg19) VCF-style: chr6-109769478-T-C.
Other names: c.1525A>G, p.Ser509Gly (NM_001159291.2); c.1840A>G, p.Ser614Gly (NM_001286613.2); short protein forms S509G, S614G, S595G.
Identifiers: ClinVar variation 2076834 (VCV002076834.5), dbSNP rs1262907239, ClinGen allele CA365227312.